The following is an entry in ClinVar:

ClinVar aggregate classification (germline): Uncertain significance (1 of 4 stars; one submission).

Conditions:
Jeune thoracic dystrophy. Also called: Jeune syndrome; Infantile thoracic dystrophy; Thoracic pelvic phalangeal dystrophy; Jeune's syndrome; Chondroectodermal dysplasia-like syndrome; Short-rib thoracic dysplasia. Identifiers: Orphanet 474, MedGen C0265275, MONDO:0018770.

Allele frequency attached by ClinVar (database versions not stated): TOPMed below 0.00001; gnomAD exomes 0.00001; ExAC 0.00002.
gnomAD v4.1: 3 of 1,588,234 alleles (0.00019%); highest among the groups gnomAD compares: East Asian, 0.0023%; no homozygotes.

Submission:

Labcorp Genetics (formerly Invitae), Labcorp
Classification: Uncertain significance for Jeune thoracic dystrophy. Last evaluated: 2022-03-14. Review status: criteria provided, single submitter. Criteria: Invitae Variant Classification Sherloc (09022015). Collection method: clinical testing. Allele origin: germline.
Comment: This sequence change replaces threonine, which is neutral and polar, with alanine, which is neutral and non-polar, at codon 166 of the DYNC2H1 protein (p.Thr166Ala). This variant is present in population databases (rs781063172, gnomAD 0.007%). This variant has not been reported in the literature in individuals affected with DYNC2H1-related conditions. Advanced modeling of protein sequence and biophysical properties (such as structural, functional, and spatial information, amino acid conservation, physicochemical variation, residue mobility, and thermodynamic stability) performed at Invitae indicates that this missense variant is not expected to disrupt DYNC2H1 protein function. In summary, the available evidence is currently insufficient to determine the role of this variant in disease. Therefore, it has been classified as a Variant of Uncertain Significance.

NM_001377.3(DYNC2H1):c.496A>G (p.Thr166Ala)

Gene: DYNC2H1 (dynein cytoplasmic 2 heavy chain 1; plus strand). Cytogenetic location: 11q22.3.
Variant type: single nucleotide variant.
Coding change: c.496A>G on transcript NM_001377.3 (MANE Select); coding-DNA position 496, A replaced by G.
Protein change: p.Thr166Ala; replaces threonine 166 with alanine.
Molecular consequence: missense variant.
Genome position (GRCh38, 1-based): chr11:103,114,232, A>G. VCF-style: chr11-103114232-A-G. GRCh37 (hg19) VCF-style: chr11-102984961-A-G.
Other names: c.496A>G, p.Thr166Ala (NM_001080463.2); short protein forms T166A.
Identifiers: ClinVar variation 1944224 (VCV001944224.2), dbSNP rs781063172, ClinGen allele CA6252496.